The following is an entry in ClinVar:

ClinVar aggregate classification (germline): Uncertain significance. Review status: criteria provided, multiple submitters, no conflicts (2 of 4 stars). 2 submissions from 2 submitters: Uncertain significance (2). Last evaluated 2025-04-09.

Conditions:
Hereditary cancer-predisposing syndrome. Also called: Neoplastic Syndromes, Hereditary; Tumor predisposition; Hereditary Cancer Syndrome; Hereditary neoplastic syndrome. Identifiers: Orphanet 140162, MedGen C0027672, MeSH D009386, MONDO:0015356.
Familial adenomatous polyposis 1 (FAP1). Also called: FAMILIAL ADENOMATOUS POLYPOSIS 1, ATTENUATED; POLYPOSIS, ADENOMATOUS INTESTINAL. Identifiers: MedGen C2713442, MONDO:0021056, OMIM 175100. Disease mechanism: loss of function.

Submissions (2):

Ambry Genetics
Classification: Uncertain significance for Hereditary cancer-predisposing syndrome. Last evaluated: 2025-04-09. Review status: criteria provided, single submitter. Criteria: Ambry Variant Classification Scheme 2023. Collection method: clinical testing. Allele origin: germline.
Comment: The p.I391V variant (also known as c.1171A>G), located in coding exon 9 of the APC gene, results from an A to G substitution at nucleotide position 1171. The isoleucine at codon 391 is replaced by valine, an amino acid with highly similar properties. This amino acid position is well conserved in available vertebrate species. In addition, in silico predictors for this gene do not accurately predict pathogenicity. Missense alterations in APC are not a common cause of disease (Spier I et al. Genet Med. 2024 Feb;26(2):100992). Based on the available evidence, the clinical significance of this variant remains unclear.

Labcorp Genetics (formerly Invitae), Labcorp
Classification: Uncertain significance for Familial adenomatous polyposis 1. Last evaluated: 2024-04-25. Review status: criteria provided, single submitter. Criteria: Invitae Variant Classification Sherloc (09022015). Collection method: clinical testing. Allele origin: germline.
Comment: This sequence change replaces isoleucine, which is neutral and non-polar, with valine, which is neutral and non-polar, at codon 391 of the APC protein (p.Ile391Val). This variant is not present in population databases (gnomAD no frequency). This variant has not been reported in the literature in individuals affected with APC-related conditions. ClinVar contains an entry for this variant (Variation ID: 141220). Advanced modeling of protein sequence and biophysical properties (such as structural, functional, and spatial information, amino acid conservation, physicochemical variation, residue mobility, and thermodynamic stability) performed at Invitae indicates that this missense variant is not expected to disrupt APC protein function with a negative predictive value of 95%. In summary, the available evidence is currently insufficient to determine the role of this variant in disease. Therefore, it has been classified as a Variant of Uncertain Significance.

NM_000038.6(APC):c.1171A>G (p.Ile391Val)

Gene: APC (APC regulator of Wnt signaling pathway; plus strand). Cytogenetic location: 5q22.2.
Variant type: single nucleotide variant.
Coding change: c.1171A>G on transcript NM_000038.6 (MANE Select); coding-DNA position 1171, A replaced by G.
Protein change: p.Ile391Val; replaces isoleucine 391 with valine.
Molecular consequence: missense variant. On other transcripts: intron variant (4).
Genome position (GRCh38, 1-based): chr5:112,819,203, A>G. VCF-style: chr5-112819203-A-G. GRCh37 (hg19) VCF-style: chr5-112154900-A-G.
Other names: c.1171A>G, p.Ile391Val (NM_001127510.3, NM_001354895.2, NM_001354896.2); c.1117A>G, p.Ile373Val (NM_001127511.3); c.1201A>G, p.Ile401Val (NM_001354897.2); c.1096A>G, p.Ile366Val (NM_001354898.2); c.1087A>G, p.Ile363Val (NM_001354899.2); c.994A>G, p.Ile332Val (NM_001354900.2, NM_001354901.2); c.322A>G, p.Ile108Val (NM_001354906.2); c.964-66A>G (NM_001354902.2); and 3 more; short protein forms I373V, I391V, I108V, I332V, I401V, I363V, I366V.
Identifiers: ClinVar variation 141220 (VCV000141220.6), dbSNP rs587781586, ClinGen allele CA004069.